The following is an entry in ClinVar:

NM_001012301.4(ARSI):c.967G>A (p.Val323Met)

Gene: ARSI (arylsulfatase family member I; minus strand). Cytogenetic location: 5q32.
Variant type: single nucleotide variant.
Coding change: c.967G>A on transcript NM_001012301.4 (MANE Select); coding-DNA position 967, G replaced by A.
Protein change: p.Val323Met; replaces valine 323 with methionine.
Molecular consequence: missense variant.
Genome position (GRCh38, 1-based): chr5:150,297,957, C>T on the plus strand (G>A on the coding strand, the complement: ARSI is on the minus strand). VCF-style: chr5-150297957-C-T. GRCh37 (hg19) VCF-style: chr5-149677520-C-T.
Other names: short protein forms V323M.
Identifiers: ClinVar variation 956595 (VCV000956595.8), dbSNP rs141392111, ClinGen allele CA3510195.

ClinVar aggregate classification (germline): Uncertain significance (1 of 4 stars; one submission).

Conditions:
Spastic paraplegia. Identifiers: MedGen C0037772, HP:0001258.

Allele frequency attached by ClinVar (database versions not stated): gnomAD 0.00001 and 0.00005; TOPMed 0.00002; gnomAD exomes 0.00004; ExAC 0.00008; 1000 Genomes Project 30x 0.00047; 1000 Genomes Project 0.00060.
gnomAD v4.1: 48 of 1,611,640 alleles (0.003%); highest among the groups gnomAD compares: South Asian, 0.035%; no homozygotes.

Submission:

Labcorp Genetics (formerly Invitae), Labcorp
Classification: Uncertain significance for Spastic paraplegia. Last evaluated: 2023-08-04. Review status: criteria provided, single submitter. Criteria: Invitae Variant Classification Sherloc (09022015). Collection method: clinical testing. Allele origin: germline.
Comment: In summary, the available evidence is currently insufficient to determine the role of this variant in disease. Therefore, it has been classified as a Variant of Uncertain Significance. Advanced modeling of protein sequence and biophysical properties (such as structural, functional, and spatial information, amino acid conservation, physicochemical variation, residue mobility, and thermodynamic stability) performed at Invitae indicates that this missense variant is not expected to disrupt ARSI protein function. ClinVar contains an entry for this variant (Variation ID: 956595). This variant has not been reported in the literature in individuals affected with ARSI-related conditions. This variant is present in population databases (rs141392111, gnomAD 0.03%). This sequence change replaces valine, which is neutral and non-polar, with methionine, which is neutral and non-polar, at codon 323 of the ARSI protein (p.Val323Met).